The following is an entry in ClinVar:

NM_001165963.4(SCN1A):c.2817C>A (p.His939Gln)

Gene: SCN1A (sodium voltage-gated channel alpha subunit 1; minus strand). Cytogenetic location: 2q24.3.
Variant type: single nucleotide variant.
Coding change: c.2817C>A on transcript NM_001165963.4 (MANE Select); coding-DNA position 2817, C replaced by A.
Protein change: p.His939Gln; replaces histidine 939 with glutamine.
Molecular consequence: missense variant. On other transcripts: non-coding transcript variant (1).
Genome position (GRCh38, 1-based): chr2:166,037,905, G>T on the plus strand (C>A on the coding strand, the complement: SCN1A is on the minus strand). VCF-style: chr2-166037905-G-T. GRCh37 (hg19) VCF-style: chr2-166894415-G-T.
Other names: c.2733C>A, p.His911Gln (NM_001165964.3, NM_001353957.2, NM_001353958.2); c.2817C>A, p.His939Gln (NM_001202435.3, NM_001353948.2); c.2784C>A, p.His928Gln (NM_001353949.2, NM_001353950.2, NM_001353951.2 and 2 more transcripts); c.2781C>A, p.His927Gln (NM_001353954.2, NM_001353955.2); c.2730C>A, p.His910Gln (NM_001353960.2); c.375C>A, p.His125Gln (NM_001353961.2); short protein forms H928Q, H939Q, H125Q, H911Q, H910Q, H927Q.
Identifiers: ClinVar variation 451108 (VCV000451108.5), dbSNP rs121918795, ClinGen allele CA349061306.
Genomic context (GRCh38, chr2:166,037,905, plus strand): 5'-ACAGTCCCACATGGTCTCTATCCACTCCCCACACAGCACGCGGAACACAATCAGGAAGGA[G>T]TGGAAGAAGTCATTCATGTGCCAGCGTGGGAGTTGACAATCACTGGCGATCTTGCAGACA-3'
Protein context (NP_001159435.1, residues 929-949): LPRWHMNDFF[His939Gln]SFLIVFRVLC

ClinVar aggregate classification (germline): Pathogenic (1 of 4 stars; one submission).

Submissions (2):

GeneDx
Classification: Pathogenic. Last evaluated: 2020-11-25. Review status: criteria provided, single submitter. Criteria: GeneDx Variant Classification Process June 2021. Collection method: clinical testing. Allele origin: germline. Affected: yes.
Comment: Not observed in large population cohorts (Lek et al., 2016); Missense variants in this gene are often considered pathogenic (Stenson et al., 2014); In silico analysis supports that this missense variant has a deleterious effect on protein structure/function; This substitution is predicted to be within the pore forming loop between the S5 and S6 transmembrane segments of the second homologous domain; This variant is associated with the following publications: (PMID: 28150151, 31782251)

Channelopathy-Associated Epilepsy Research Center
No classification provided (evidence only). Condition: Severe myoclonic epilepsy in infancy. Review status: no classification provided. Collection method: literature only. Allele origin: not applicable. Functional consequence: Absence of peak current. Not counted in ClinVar's aggregate classification.
ClinVar note: "not provided" was previously submitted as the classification for the variant. However, the classification appeared to be based only on an observation of functional data so it was converted to no classification on 2025-07-30.

Literature cited by the submitters: PubMed 17054685 (cited by Channelopathy-Associated Epilepsy Research Center).